The following is an entry in ClinVar:

ClinVar aggregate classification (germline): Uncertain significance. Review status: criteria provided, multiple submitters, no conflicts (2 of 4 stars). 2 submissions from 2 submitters: Uncertain significance (2). Last evaluated 2024-10-09.

Conditions:
Hereditary cancer-predisposing syndrome. Also called: Neoplastic Syndromes, Hereditary; Tumor predisposition; Hereditary Cancer Syndrome; Hereditary neoplastic syndrome. Identifiers: Orphanet 140162, MedGen C0027672, MeSH D009386, MONDO:0015356.

Allele frequency attached by ClinVar (database versions not stated): gnomAD exomes below 0.00001.
gnomAD v4.1: 1 of 1,613,752 alleles (0.000062%); highest among the groups gnomAD compares: African/African-American, 0.0013%; no homozygotes.

Submissions (2):

Labcorp Genetics (formerly Invitae), Labcorp
Classification: Uncertain significance. Last evaluated: 2024-10-09. Review status: criteria provided, single submitter. Criteria: Invitae Variant Classification Sherloc (09022015). Collection method: clinical testing. Allele origin: germline.
Comment: This sequence change replaces serine, which is neutral and polar, with proline, which is neutral and non-polar, at codon 665 of the MSH3 protein (p.Ser665Pro). This variant is present in population databases (no rsID available, gnomAD 0.007%). This variant has not been reported in the literature in individuals affected with MSH3-related conditions. ClinVar contains an entry for this variant (Variation ID: 1784019). An algorithm developed to predict the effect of missense changes on protein structure and function (PolyPhen-2) suggests that this variant is likely to be tolerated. In summary, the available evidence is currently insufficient to determine the role of this variant in disease. Therefore, it has been classified as a Variant of Uncertain Significance.

Ambry Genetics
Classification: Uncertain significance for Hereditary cancer-predisposing syndrome. Last evaluated: 2021-09-24. Review status: criteria provided, single submitter. Criteria: Ambry Variant Classification Scheme 2023. Collection method: clinical testing. Allele origin: germline.
Comment: The p.S665P variant (also known as c.1993T>C), located in coding exon 14 of the MSH3 gene, results from a T to C substitution at nucleotide position 1993. The serine at codon 665 is replaced by proline, an amino acid with similar properties. This amino acid position is conserved. In addition, this alteration is predicted to be deleterious by in silico analysis. Since supporting evidence is limited at this time, the clinical significance of this alteration remains unclear.

NM_002439.5(MSH3):c.1993T>C (p.Ser665Pro)

Gene: MSH3 (mutS homolog 3; plus strand). Cytogenetic location: 5q14.1.
Variant type: single nucleotide variant.
Coding change: c.1993T>C on transcript NM_002439.5 (MANE Select); coding-DNA position 1993, T replaced by C.
Protein change: p.Ser665Pro; replaces serine 665 with proline.
Molecular consequence: missense variant.
Genome position (GRCh38, 1-based): chr5:80,768,029, T>C. VCF-style: chr5-80768029-T-C. GRCh37 (hg19) VCF-style: chr5-80063848-T-C.
Other names: short protein forms S665P.
Identifiers: ClinVar variation 1784019 (VCV001784019.4), dbSNP rs1216185705, ClinGen allele CA360277680.